The following is an entry in ClinVar:

ClinVar aggregate classification (germline): Pathogenic (1 of 4 stars; one submission).

Conditions:
Wolfram syndrome 1 (WFS1). Identifiers: Orphanet 3463, MedGen C4551693, MONDO:0009101, OMIM 222300.

Allele frequency attached by ClinVar (database versions not stated): gnomAD 0.00001.
gnomAD v4.1: 1 of 1,612,812 alleles (0.000062%); highest among the groups gnomAD compares: South Asian, 0.0011%; no homozygotes.

Submission:

Clinical Genomics, Uppaluri K&H Personalized Medicine Clinic
Classification: Pathogenic for Wolfram syndrome 1. Review status: criteria provided, single submitter. Criteria: K & H Uppaluri Personalized Medicine Clinic Variant Classification & Assertion Criteria_Updated V.1. Collection method: research. Allele origin: unknown. Inheritance: Autosomal recessive inheritance.
Comment: Potent mutations in WFS1 gene are associated with Wolfram's syndrome, an autosomal recessive condition, which cause diabetes mellitus, diabetes insipidus, deafness and optic atrophy.However no sufficient evidence is found to ascertain the role of this particular variant rs1043668392 in Wolfram's syndrome yet.

Literature cited by the submitters: PubMed 20738327; PubMed 33879153; PubMed 12955714; PubMed 18060660; PubMed 20301750; PubMed 17603484.

NM_006005.3(WFS1):c.1362C>G (p.Tyr454Ter)

Gene: WFS1 (wolframin ER transmembrane glycoprotein; plus strand). Cytogenetic location: 4p16.1.
Variant type: single nucleotide variant.
Coding change: c.1362C>G on transcript NM_006005.3 (MANE Select); coding-DNA position 1362, C replaced by G.
Protein change: p.Tyr454Ter; replaces tyrosine 454 with a stop codon.
Molecular consequence: nonsense.
Genome position (GRCh38, 1-based): chr4:6,301,157, C>G. VCF-style: chr4-6301157-C-G. GRCh37 (hg19) VCF-style: chr4-6302884-C-G.
Other names: c.1362C>G, p.Tyr454Ter (NM_001145853.1); short protein forms Y454*.
Identifiers: ClinVar variation 2429350 (VCV002429350.1), dbSNP rs1043668392, ClinGen allele CA356174760.